The following is an entry in ClinVar:

NM_006005.3(WFS1):c.713-1185C>A

Gene: WFS1 (wolframin ER transmembrane glycoprotein; plus strand). Cytogenetic location: 4p16.1.
Variant type: single nucleotide variant.
Coding change: c.713-1185C>A on transcript NM_006005.3 (MANE Select); 1185 bases into the intron before coding-DNA position 713, C replaced by A.
Molecular consequence: intron variant.
Genome position (GRCh38, 1-based): chr4:6,293,856, C>A. VCF-style: chr4-6293856-C-A. GRCh37 (hg19) VCF-style: chr4-6295583-C-A.
Other names: c.713-1185C>A (NM_001145853.1).
Identifiers: ClinVar variation 684349 (VCV000684349.2), dbSNP rs6446481, ClinGen allele CA11634641.

ClinVar aggregate classification (germline): Benign. Review status: criteria provided, multiple submitters, no conflicts (2 of 4 stars). 2 submissions from 2 submitters: Benign (2). Last evaluated 2018-06-14.

Conditions:
Wolfram syndrome 1 (WFS1). Identifiers: Orphanet 3463, MedGen C4551693, MONDO:0009101, OMIM 222300.

Allele frequency attached by ClinVar (database versions not stated): gnomAD 0.63035; TOPMed 0.64478; 1000 Genomes Project 30x 0.71127; 1000 Genomes Project 0.71326.

Submissions (2):

GeneDx
Classification: Benign. Last evaluated: 2018-06-14. Review status: criteria provided, single submitter. Criteria: GeneDx Variant Classification (06012015). Collection method: clinical testing. Allele origin: germline. Affected: yes.
Comment: This variant is considered likely benign or benign based on one or more of the following criteria: it is a conservative change, it occurs at a poorly conserved position in the protein, it is predicted to be benign by multiple in silico algorithms, and/or has population frequency not consistent with disease.

Clinical Genomics, Uppaluri K&H Personalized Medicine Clinic
Classification: Benign for Wolfram syndrome 1. Review status: criteria provided, single submitter. Criteria: K & H Uppaluri Personalized Medicine Clinic Variant Classification & Assertion Criteria_Updated V.1. Collection method: research. Allele origin: unknown. Inheritance: Autosomal recessive inheritance.
Comment: Potent mutations in WFS1 gene are associated with Wolfram's syndrome, an autosomal recessive condition, which cause diabetes mellitus, diabetes insipidus, deafness and optic atrophy. However no sufficient evidence is found to ascertain the role of this particular variant rs6446481 in Wolfram's syndrome yet.

Literature cited by the submitters: PubMed 20738327 (cited by Clinical Genomics, Uppaluri K&H Personalized Medicine Clinic); PubMed 33879153 (cited by Clinical Genomics, Uppaluri K&H Personalized Medicine Clinic); PubMed 12955714 (cited by Clinical Genomics, Uppaluri K&H Personalized Medicine Clinic); PubMed 18060660 (cited by Clinical Genomics, Uppaluri K&H Personalized Medicine Clinic); PubMed 20301750 (cited by Clinical Genomics, Uppaluri K&H Personalized Medicine Clinic); PubMed 17603484 (cited by Clinical Genomics, Uppaluri K&H Personalized Medicine Clinic).